The following is an entry in ClinVar:

NM_203447.4(DOCK8):c.656C>T (p.Ala219Val)

Gene: DOCK8 (dedicator of cytokinesis 8; plus strand). Cytogenetic location: 9p24.3.
Variant type: single nucleotide variant.
Coding change: c.656C>T on transcript NM_203447.4 (MANE Select); coding-DNA position 656, C replaced by T.
Protein change: p.Ala219Val; replaces alanine 219 with valine.
Molecular consequence: missense variant.
Genome position (GRCh38, 1-based): chr9:312,081, C>T. VCF-style: chr9-312081-C-T. GRCh37 (hg19) VCF-style: chr9-312081-C-T.
Other names: c.452C>T, p.Ala151Val (NM_001190458.2, NM_001193536.2); short protein forms A219V, A151V.
Identifiers: ClinVar variation 468741 (VCV000468741.11), dbSNP rs144019007, ClinGen allele CA4957353.
Genomic context (GRCh38, chr9:312,081, plus strand): 5'-TTGACCTCCGCAGCCTGCAGCCTGACAAGCGGCTAGAAAACCTCCTGCAGCAAGTGAGTG[C>T]CGAGGACTTTGAGAAGCAGAACGAGGAGGCCCGGAGGACCAATAGGCAGGCCGAGCTCTT-3'
Protein context (NP_982272.2, residues 209-229): RLENLLQQVS[Ala219Val]EDFEKQNEEA

ClinVar aggregate classification (germline): Uncertain significance. Review status: criteria provided, multiple submitters, no conflicts (2 of 4 stars). 4 submissions from 4 submitters: Uncertain significance (4). Last evaluated 2024-05-28.

Conditions:
Inborn genetic diseases. Identifiers: MedGen C0950123, MeSH D030342.
Combined immunodeficiency due to DOCK8 deficiency (HIES2). Also called: HYPER-IgE RECURRENT INFECTION SYNDROME 2, AUTOSOMAL RECESSIVE; HYPER-IgE SYNDROME 2, AUTOSOMAL RECESSIVE, WITH RECURRENT INFECTIONS; HIES autosomal recessive; Hyper-IgE recurrent infection syndrome, autosomal recessive; DOCK8 Deficiency. Identifiers: Orphanet 217390, MedGen C4722305, MONDO:0009478, OMIM 243700.

Allele frequency attached by ClinVar (database versions not stated): gnomAD exomes 0.00004 and 0.00005; ExAC 0.00005; 1000 Genomes Project 30x 0.00016; 1000 Genomes Project 0.00020; ESP Exome Variant Server 0.00023; TOPMed 0.00035; gnomAD 0.00036 and 0.00040.
gnomAD v4.1: 114 of 1,614,194 alleles (0.0071%); highest among the groups gnomAD compares: African/African-American, 0.14%; 1 homozygote.

Submissions (4):

Genetic Services Laboratory, University of Chicago
Classification: Uncertain significance. Last evaluated: 2024-05-28. Review status: criteria provided, single submitter. Criteria: ACMG Guidelines, 2015. Collection method: clinical testing. Allele origin: germline. Affected: no.
Comment: DNA sequence analysis of the DOCK8 gene demonstrated a sequence change, c.656C>T, in exon 6 that results in an amino acid change, p.Ala219Val. This sequence change does not appear to have been previously described in individuals with DOCK8-related disorders. This sequence change has been described in the gnomAD database with a frequency of 0.09% in the African subpopulation and 0.009% in the overall population (dbSNP rs144019007). The p.Ala219Val change affects a moderately conserved amino acid residue located in a domain of the DOCK8 protein that is not known to be functional. The p.Ala219Val substitution appears to be benign using several in-silico pathogenicity prediction tools (SIFT, PolyPhen2, Align GVGD, REVEL). Due to insufficient evidences and the lack of functional studies, the clinical significance of the p.Ala219Val change remains unknown at this time.

Ambry Genetics
Classification: Uncertain significance for Inborn genetic diseases. Last evaluated: 2023-12-18. Review status: criteria provided, single submitter. Criteria: Ambry Variant Classification Scheme 2023. Collection method: clinical testing. Allele origin: germline.

Blueprint Genetics
Classification: Uncertain significance. Last evaluated: 2023-03-15. Review status: criteria provided, single submitter. Criteria: ACMG Guidelines, 2015. Collection method: clinical testing. Allele origin: germline.

Labcorp Genetics (formerly Invitae), Labcorp
Classification: Uncertain significance for Combined immunodeficiency due to DOCK8 deficiency. Last evaluated: 2022-08-09. Review status: criteria provided, single submitter. Criteria: Invitae Variant Classification Sherloc (09022015). Collection method: clinical testing. Allele origin: germline.
Comment: This sequence change replaces alanine, which is neutral and non-polar, with valine, which is neutral and non-polar, at codon 219 of the DOCK8 protein (p.Ala219Val). This variant is present in population databases (rs144019007, gnomAD 0.08%). This variant has not been reported in the literature in individuals affected with DOCK8-related conditions. ClinVar contains an entry for this variant (Variation ID: 468741). Algorithms developed to predict the effect of missense changes on protein structure and function output the following: SIFT: "Tolerated"; PolyPhen-2: "Benign"; Align-GVGD: "Class C0". The valine amino acid residue is found in multiple mammalian species, which suggests that this missense change does not adversely affect protein function. In summary, the available evidence is currently insufficient to determine the role of this variant in disease. Therefore, it has been classified as a Variant of Uncertain Significance.